The following is an entry in ClinVar:

ClinVar aggregate classification (germline): Benign/Likely benign. Review status: criteria provided, multiple submitters, no conflicts (2 of 4 stars). 3 submissions from 3 submitters: Benign (1); Likely benign (2). Last evaluated 2025-10-17.

Conditions:
Hereditary cancer-predisposing syndrome. Also called: Neoplastic Syndromes, Hereditary; Hereditary Cancer Syndrome; Tumor predisposition; Hereditary neoplastic syndrome. Identifiers: Orphanet 140162, MedGen C0027672, MeSH D009386, MONDO:0015356.
Oligodontia-cancer predisposition syndrome. Also called: TOOTH AGENESIS-COLORECTAL CANCER SYNDROME. Identifiers: Orphanet 300576, MedGen C1837750, MONDO:0012075, OMIM 608615. Disease mechanism: loss of function.

Allele frequency attached by ClinVar (database versions not stated): gnomAD exomes below 0.00001; TOPMed 0.00001.
gnomAD v4.1: 1 of 1,614,228 alleles (0.000062%); no homozygotes.

Submissions (3):

Labcorp Genetics (formerly Invitae), Labcorp
Classification: Likely benign for Oligodontia-cancer predisposition syndrome. Last evaluated: 2025-10-17. Review status: criteria provided, single submitter. Criteria: Invitae Variant Classification Sherloc (09022015). Collection method: clinical testing. Allele origin: germline.

Myriad Genetics, Inc.
Classification: Benign for Oligodontia-cancer predisposition syndrome. Last evaluated: 2024-07-10. Review status: criteria provided, single submitter. Criteria: Myriad Autosomal Dominant, Autosomal Recessive and X-Linked Classification Criteria (2023). Collection method: clinical testing. Allele origin: unknown.
Comment: This variant is considered benign. This variant is a silent/synonymous amino acid change and it is not expected to impact splicing.

Ambry Genetics
Classification: Likely benign for Hereditary cancer-predisposing syndrome. Last evaluated: 2020-08-14. Review status: criteria provided, single submitter. Criteria: Ambry Variant Classification Scheme 2023. Collection method: clinical testing. Allele origin: germline.

NM_004655.4(AXIN2):c.2334G>A (p.Arg778=)

Gene: AXIN2 (axin 2; minus strand). Cytogenetic location: 17q24.1.
Variant type: single nucleotide variant.
Coding change: c.2334G>A on transcript NM_004655.4 (MANE Select); coding-DNA position 2334, G replaced by A.
Protein change: p.Arg778=; no amino-acid change (arginine 778 retained).
Molecular consequence: synonymous variant.
Genome position (GRCh38, 1-based): chr17:65,533,983, C>T on the plus strand (G>A on the coding strand, the complement: AXIN2 is on the minus strand). VCF-style: chr17-65533983-C-T. GRCh37 (hg19) VCF-style: chr17-63530101-C-T.
Other names: c.2139G>A, p.Arg713= (NM_001363813.1).
Identifiers: ClinVar variation 740283 (VCV000740283.14), dbSNP rs1403560448, ClinGen allele CA501475929.